The following is an entry in ClinVar:

ClinVar aggregate classification (germline): Likely benign (1 of 4 stars; one submission).

Allele frequency attached by ClinVar (database versions not stated): gnomAD 0.00001; TOPMed 0.00001; ExAC 0.00002; gnomAD exomes 0.00002.
gnomAD v4.1: 40 of 1,613,466 alleles (0.0025%); highest among the groups gnomAD compares: Middle Eastern, 0.049%; no homozygotes.

Submission:

CeGaT Center for Human Genetics Tuebingen
Classification: Likely benign. Last evaluated: 2022-07-01. Review status: criteria provided, single submitter. Criteria: CeGaT Center For Human Genetics Tuebingen Variant Classification Criteria Version 2. Collection method: clinical testing. Allele origin: germline. Affected: yes. Observed: 1 variant allele.
Comment: DIDO1: BP4, BP7

NM_001193369.2(DIDO1):c.3882G>A (p.Ala1294=)

Gene: DIDO1 (death inducer-obliterator 1; minus strand). Cytogenetic location: 20q13.33.
Variant type: single nucleotide variant.
Coding change: c.3882G>A on transcript NM_001193369.2 (MANE Select); coding-DNA position 3882, G replaced by A.
Protein change: p.Ala1294=; no amino-acid change (alanine 1294 retained).
Molecular consequence: synonymous variant.
Genome position (GRCh38, 1-based): chr20:62,882,074, C>T on the plus strand (G>A on the coding strand, the complement: DIDO1 is on the minus strand). VCF-style: chr20-62882074-C-T. GRCh37 (hg19) VCF-style: chr20-61513426-C-T.
Other names: c.3882G>A, p.Ala1294= (NM_033081.3).
Identifiers: ClinVar variation 2652514 (VCV002652514.24), dbSNP rs756191111, ClinGen allele CA9951382.
Genomic context (GRCh38, chr20:62,882,074, plus strand): 5'-CAGCGGTGATGCTGTTTTGGAAGCAGACGAAGCGGTGGAGGAAGCTGCCGTGGAGGCTGC[C>T]GCTGCTGTTGTGGCTGCTGTGGCTGGGCTGGGGGCTGCAGGTTTGAGGGATGACAGCACT-3'
Protein context (NP_001180298.1, residues 1284-1304): PSPATAATTA[Ala1294=]AASTAASSTA